The following is an entry in ClinVar:

ClinVar aggregate classification (germline): Uncertain significance (1 of 4 stars; one submission).

Submission:

Labcorp Genetics (formerly Invitae), Labcorp
Classification: Uncertain significance. Last evaluated: 2024-01-02. Review status: criteria provided, single submitter. Criteria: Invitae Variant Classification Sherloc (09022015). Collection method: clinical testing. Allele origin: germline.
Comment: This sequence change replaces asparagine, which is neutral and polar, with aspartic acid, which is acidic and polar, at codon 2917 of the COL7A1 protein (p.Asn2917Asp). This variant is not present in population databases (gnomAD no frequency). This variant has not been reported in the literature in individuals affected with COL7A1-related conditions. Advanced modeling of protein sequence and biophysical properties (such as structural, functional, and spatial information, amino acid conservation, physicochemical variation, residue mobility, and thermodynamic stability) performed at Invitae indicates that this missense variant is expected to disrupt COL7A1 protein function with a positive predictive value of 95%. In summary, the available evidence is currently insufficient to determine the role of this variant in disease. Therefore, it has been classified as a Variant of Uncertain Significance.

NM_000094.4(COL7A1):c.8749A>G (p.Asn2917Asp)

Gene: COL7A1 (collagen type VII alpha 1 chain; minus strand). Cytogenetic location: 3p21.31.
Variant type: single nucleotide variant.
Coding change: c.8749A>G on transcript NM_000094.4 (MANE Select); coding-DNA position 8749, A replaced by G.
Protein change: p.Asn2917Asp; replaces asparagine 2917 with aspartic acid.
Molecular consequence: missense variant.
Genome position (GRCh38, 1-based): chr3:48,564,852, T>C on the plus strand (A>G on the coding strand, the complement: COL7A1 is on the minus strand). VCF-style: chr3-48564852-T-C. GRCh37 (hg19) VCF-style: chr3-48602285-T-C.
Other names: short protein forms N2917D.
Identifiers: ClinVar variation 2706977 (VCV002706977.3), dbSNP rs2530795666, ClinGen allele CA352632909.